The following is an entry in ClinVar:

ClinVar aggregate classification (germline): Conflicting classifications of pathogenicity. Review status: criteria provided, conflicting classifications (1 of 4 stars). 2 submissions from 2 submitters: Uncertain significance (1); Likely benign (1). Last evaluated 2024-05-31.

Conditions:
POLD1-related polyposis and colorectal cancer syndrome (CRCS10). Also called: Colorectal cancer 10; COLORECTAL CANCER, SUSCEPTIBILITY TO, ON CHROMOSOME 19q; Colorectal cancer, susceptibility to, 10. Identifiers: Orphanet 220460, MedGen C2675481, MONDO:0012953, OMIM 612591.
Hereditary cancer-predisposing syndrome. Also called: Neoplastic Syndromes, Hereditary; Tumor predisposition; Hereditary Cancer Syndrome; Hereditary neoplastic syndrome. Identifiers: Orphanet 140162, MedGen C0027672, MeSH D009386, MONDO:0015356.

Allele frequency attached by ClinVar (database versions not stated): gnomAD exomes below 0.00001.
gnomAD v4.1: 1 of 1,568,286 alleles (0.000064%); highest among the groups gnomAD compares: African/African-American, 0.0013%; no homozygotes.

Submissions (2):

Labcorp Genetics (formerly Invitae), Labcorp
Classification: Uncertain significance for POLD1-related polyposis and colorectal cancer syndrome. Last evaluated: 2024-05-31. Review status: criteria provided, single submitter. Criteria: Invitae Variant Classification Sherloc (09022015). Collection method: clinical testing. Allele origin: germline.
Comment: This sequence change replaces histidine, which is basic and polar, with arginine, which is basic and polar, at codon 48 of the POLD1 protein (p.His48Arg). This variant is not present in population databases (gnomAD no frequency). This variant has not been reported in the literature in individuals affected with POLD1-related conditions. ClinVar contains an entry for this variant (Variation ID: 1425686). Algorithms developed to predict the effect of missense changes on protein structure and function output the following: SIFT: "Not Available"; PolyPhen-2: "Benign"; Align-GVGD: "Not Available". The arginine amino acid residue is found in multiple mammalian species, which suggests that this missense change does not adversely affect protein function. In summary, the available evidence is currently insufficient to determine the role of this variant in disease. Therefore, it has been classified as a Variant of Uncertain Significance.

Ambry Genetics
Classification: Likely benign for Hereditary cancer-predisposing syndrome. Last evaluated: 2022-11-17. Review status: criteria provided, single submitter. Criteria: Ambry Variant Classification Scheme 2023. Collection method: clinical testing. Allele origin: germline.

NM_002691.4(POLD1):c.143A>G (p.His48Arg)

Gene: POLD1 (DNA polymerase delta 1, catalytic subunit; plus strand). Cytogenetic location: 19q13.33.
Variant type: single nucleotide variant.
Coding change: c.143A>G on transcript NM_002691.4 (MANE Select); coding-DNA position 143, A replaced by G.
Protein change: p.His48Arg; replaces histidine 48 with arginine.
Molecular consequence: missense variant. On other transcripts: non-coding transcript variant (1).
Genome position (GRCh38, 1-based): chr19:50,398,994, A>G. VCF-style: chr19-50398994-A-G. GRCh37 (hg19) VCF-style: chr19-50902251-A-G.
Other names: c.143A>G (NM_002691.2); c.143A>G, p.His48Arg (NM_001256849.1, NM_001308632.1); short protein forms H48R.
Identifiers: ClinVar variation 1425686 (VCV001425686.7), dbSNP rs1555789124, ClinGen allele CA406970238.